The following is an entry in ClinVar:

ClinVar aggregate classification (germline): Uncertain significance (1 of 4 stars; one submission).

Conditions:
Hereditary cancer-predisposing syndrome. Also called: Neoplastic Syndromes, Hereditary; Tumor predisposition; Hereditary neoplastic syndrome; Hereditary Cancer Syndrome. Identifiers: Orphanet 140162, MedGen C0027672, MeSH D009386, MONDO:0015356.

Allele frequency attached by ClinVar (database versions not stated): gnomAD exomes below 0.00001.
gnomAD v4.1: 1 of 1,613,912 alleles (0.000062%); highest among the groups gnomAD compares: South Asian, 0.0011%; no homozygotes.

Submission:

Ambry Genetics
Classification: Uncertain significance for Hereditary cancer-predisposing syndrome. Last evaluated: 2023-12-20. Review status: criteria provided, single submitter. Criteria: Ambry Variant Classification Scheme 2023. Collection method: clinical testing. Allele origin: germline.
Comment: The p.K682E variant (also known as c.2044A>G), located in coding exon 18 of the MRE11A gene, results from an A to G substitution at nucleotide position 2044. The lysine at codon 682 is replaced by glutamic acid, an amino acid with similar properties. This amino acid position is conserved. In addition, this alteration is predicted to be tolerated by in silico analysis. Since supporting evidence is limited at this time, the clinical significance of this alteration remains unclear.

NM_005591.4(MRE11):c.2044A>G (p.Lys682Glu)

Gene: MRE11 (MRE11 double strand break repair nuclease; minus strand). Cytogenetic location: 11q21.
Variant type: single nucleotide variant.
Coding change: c.2044A>G on transcript NM_005591.4 (MANE Select); coding-DNA position 2044, A replaced by G.
Protein change: p.Lys682Glu; replaces lysine 682 with glutamic acid.
Molecular consequence: missense variant.
Genome position (GRCh38, 1-based): chr11:94,429,937, T>C on the plus strand (A>G on the coding strand, the complement: MRE11 is on the minus strand). VCF-style: chr11-94429937-T-C. GRCh37 (hg19) VCF-style: chr11-94163103-T-C.
Other names: c.2041A>G, p.Lys681Glu (NM_001330347.2); c.1960A>G, p.Lys654Glu (NM_005590.4); short protein forms K654E, K681E, K682E.
Identifiers: ClinVar variation 3224853 (VCV003224853.1), dbSNP rs2496165524, ClinGen allele CA382373482.